The following is an entry in ClinVar:

ClinVar aggregate classification (germline): Pathogenic (1 of 4 stars; one submission).

gnomAD v4.1: 3 of 1,613,442 alleles (0.00019%); highest among the groups gnomAD compares: Admixed American, 0.005%; no homozygotes.

Submission:

Labcorp Genetics (formerly Invitae), Labcorp
Classification: Pathogenic. Last evaluated: 2024-01-05. Review status: criteria provided, single submitter. Criteria: Invitae Variant Classification Sherloc (09022015). Collection method: clinical testing. Allele origin: germline.
Comment: This sequence change creates a premature translational stop signal (p.Glu540*) in the TTC37 gene. It is expected to result in an absent or disrupted protein product. Loss-of-function variants in TTC37 are known to be pathogenic (PMID: 20176027, 21120949). This variant is present in population databases (rs767805559, gnomAD 0.009%). This variant has not been reported in the literature in individuals affected with TTC37-related conditions. Algorithms developed to predict the effect of sequence changes on RNA splicing suggest that this variant may disrupt the consensus splice site. For these reasons, this variant has been classified as Pathogenic.

Literature cited by the submitters: PubMed 20176027; PubMed 21120949.

NM_014639.4(SKIC3):c.1618G>T (p.Glu540Ter)

Gene: SKIC3 (SKI3 subunit of superkiller complex; minus strand). Cytogenetic location: 5q15.
Variant type: single nucleotide variant.
Coding change: c.1618G>T on transcript NM_014639.4 (MANE Select); coding-DNA position 1618, G replaced by T.
Protein change: p.Glu540Ter; replaces glutamic acid 540 with a stop codon.
Molecular consequence: nonsense.
Genome position (GRCh38, 1-based): chr5:95,523,669, C>A on the plus strand (G>T on the coding strand, the complement: SKIC3 is on the minus strand). VCF-style: chr5-95523669-C-A. GRCh37 (hg19) VCF-style: chr5-94859373-C-A.
Other names: short protein forms E540*.
Identifiers: ClinVar variation 2870597 (VCV002870597.3), dbSNP rs767805559, ClinGen allele CA3347300.